The following is an entry in ClinVar:

ClinVar aggregate classification (germline): Uncertain significance (1 of 4 stars; one submission).

Conditions:
Inborn genetic diseases. Identifiers: MedGen C0950123, MeSH D030342.

gnomAD v4.1: 1 of 1,614,174 alleles (0.000062%); highest among the groups gnomAD compares: Non-Finnish European, 0.000085%; no homozygotes.

Submission:

Ambry Genetics
Classification: Uncertain significance for Inborn genetic diseases. Last evaluated: 2025-12-20. Review status: criteria provided, single submitter. Criteria: Ambry Variant Classification Scheme 2023. Collection method: clinical testing. Allele origin: germline.
Comment: The p.S717T variant (also known as c.2149T>A), located in coding exon 8 of the MECOM gene, results from a T to A substitution at nucleotide position 2149. The serine at codon 717 is replaced by threonine, an amino acid with similar properties. This amino acid position is conserved. In addition, this alteration is predicted to be tolerated by in silico analysis. Based on the available evidence, the clinical significance of this variant remains unclear.

NM_004991.4(MECOM):c.2149T>A (p.Ser717Thr)

Gene: MECOM (MDS1 and EVI1 complex locus; minus strand). Cytogenetic location: 3q26.2.
Variant type: single nucleotide variant.
Coding change: c.2149T>A on transcript NM_004991.4 (MANE Select); coding-DNA position 2149, T replaced by A.
Protein change: p.Ser717Thr; replaces serine 717 with threonine.
Molecular consequence: missense variant.
Genome position (GRCh38, 1-based): chr3:169,115,723, A>T on the plus strand (T>A on the coding strand, the complement: MECOM is on the minus strand). VCF-style: chr3-169115723-A-T. GRCh37 (hg19) VCF-style: chr3-168833511-A-T.
Other names: c.1585T>A, p.Ser529Thr (NM_005241.4, NM_001105078.4, NM_001164000.2 and 4 more transcripts); c.1177T>A, p.Ser393Thr (NM_001366473.2); c.613T>A, p.Ser205Thr (NM_001366474.2); c.1780T>A, p.Ser594Thr (NM_001105077.4); c.1588T>A, p.Ser530Thr (NM_001163999.2, NM_001366467.2, NM_001366468.2 and 1 more transcripts); c.2149T>A, p.Ser717Thr (NM_001366466.2); short protein forms S205T, S393T, S529T, S530T, S717T, S594T.
Identifiers: ClinVar variation 4842745 (VCV004842745.1).